The following is an entry in ClinVar:

ClinVar aggregate classification (germline): Uncertain significance (1 of 4 stars; one submission).

Conditions:
Familial meningioma. Also called: Meningioma, familial, susceptibility to. Identifiers: Orphanet 263662, MedGen C3551915, MONDO:0011789, OMIM 607174.

Submission:

Labcorp Genetics (formerly Invitae), Labcorp
Classification: Uncertain significance for Familial meningioma. Last evaluated: 2025-06-11. Review status: criteria provided, single submitter. Criteria: Invitae Variant Classification Sherloc (09022015). Collection method: clinical testing. Allele origin: germline.
Comment: This sequence change replaces proline, which is neutral and non-polar, with arginine, which is basic and polar, at codon 72 of the SMARCE1 protein (p.Pro72Arg). This variant is not present in population databases (gnomAD no frequency). This variant has not been reported in the literature in individuals affected with SMARCE1-related conditions. Invitae Evidence Modeling of protein sequence and biophysical properties (such as structural, functional, and spatial information, amino acid conservation, physicochemical variation, residue mobility, and thermodynamic stability) indicates that this missense variant is expected to disrupt SMARCE1 protein function with a positive predictive value of 80%. In summary, the available evidence is currently insufficient to determine the role of this variant in disease. Therefore, it has been classified as a Variant of Uncertain Significance.

NM_003079.5(SMARCE1):c.215C>G (p.Pro72Arg)

Gene: SMARCE1 (SWI/SNF related BAF chromatin remodeling complex subunit E1; minus strand). Cytogenetic location: 17q21.2.
Variant type: single nucleotide variant.
Coding change: c.215C>G on transcript NM_003079.5 (MANE Select); coding-DNA position 215, C replaced by G.
Protein change: p.Pro72Arg; replaces proline 72 with arginine.
Molecular consequence: missense variant.
Genome position (GRCh38, 1-based): chr17:40,637,514, G>C on the plus strand (C>G on the coding strand, the complement: SMARCE1 is on the minus strand). VCF-style: chr17-40637514-G-C. GRCh37 (hg19) VCF-style: chr17-38793766-G-C.
Other names: short protein forms P72R.
Identifiers: ClinVar variation 4741252 (VCV004741252.1).